The following is an entry in ClinVar:

NM_001330195.2(NRXN3):c.4655A>G (p.Gln1552Arg)

Gene: NRXN3 (neurexin 3; plus strand). Cytogenetic location: 14q31.1.
Variant type: single nucleotide variant.
Coding change: c.4655A>G on transcript NM_001330195.2 (MANE Select); coding-DNA position 4655, A replaced by G.
Protein change: p.Gln1552Arg; replaces glutamine 1552 with arginine.
Molecular consequence: missense variant. On other transcripts: non-coding transcript variant (5).
Genome position (GRCh38, 1-based): chr14:79,861,903, A>G. VCF-style: chr14-79861903-A-G. GRCh37 (hg19) VCF-style: chr14-80328246-A-G.
Other names: c.1319A>G, p.Gln440Arg (NM_001105250.3); c.1853A>G, p.Gln618Arg (NM_001272020.2); c.4565A>G, p.Gln1522Arg (NM_001366425.1); c.4346A>G, p.Gln1449Arg (NM_001366426.1); c.3125A>G, p.Gln1042Arg (NM_004796.6); c.1238A>G, p.Gln413Arg (NM_138970.5); short protein forms Q1042R, Q1449R, Q1522R, Q1552R, Q413R, Q440R, Q618R.
Identifiers: ClinVar variation 5040404 (VCV005040404.1).

ClinVar aggregate classification (germline): Uncertain significance (1 of 4 stars; one submission).

gnomAD v4.1: 1 of 1,614,064 alleles (0.000062%); highest among the groups gnomAD compares: Admixed American, 0.0017%; no homozygotes.

Submission:

CeGaT Center for Human Genetics Tuebingen
Classification: Uncertain significance. Last evaluated: 2026-08-01. Review status: criteria provided, single submitter. Criteria: CeGaT Center For Human Genetics Tuebingen Variant Classification Criteria Version 2. Collection method: clinical testing. Allele origin: germline. Affected: yes. Observed: 1 variant allele.
Comment: NRXN3: PM2, BP4